The following is an entry in ClinVar:

ClinVar aggregate classification (germline): Pathogenic (1 of 4 stars; one submission).

Conditions:
Holocarboxylase synthetase deficiency. Also called: MULTIPLE CARBOXYLASE DEFICIENCY, EARLY ONSET. Identifiers: Orphanet 79242, MedGen C0268581, MONDO:0009666, OMIM 253270.

Submission:

Labcorp Genetics (formerly Invitae), Labcorp
Classification: Pathogenic for Holocarboxylase synthetase deficiency. Last evaluated: 2020-03-22. Review status: criteria provided, single submitter. Criteria: Invitae Variant Classification Sherloc (09022015). Collection method: clinical testing. Allele origin: germline.
Comment: For these reasons, this variant has been classified as Pathogenic. Loss-of-function variants in HLCS are known to be pathogenic (PMID: 16134170). This variant has not been reported in the literature in individuals with HLCS-related conditions. This variant is a gross deletion of the genomic region encompassing exons 4-7 of the HLCS gene, which includes the initiator codon. The 5' end of this event is unknown as it extends beyond the assayed region for this gene and therefore may encompass additional genes. The 3' boundary is likely confined to intron 7 of the HLCS gene. This is expected to result in an absent or disrupted protein product.

Literature cited by the submitters: PubMed 16134170.

NC_000021.8:g.(?_38269140)_(38311203_?)del

Gene: HLCS (holocarboxylase synthetase; minus strand). Cytogenetic location: 21q22.13.
Variant type: Deletion.
Identifiers: ClinVar variation 1071508 (VCV001071508.5).